The following is an entry in ClinVar:

NM_012309.5(SHANK2):c.1230G>A (p.Thr410=)

Gene: SHANK2 (SH3 and multiple ankyrin repeat domains 2; minus strand). Cytogenetic location: 11q13.4.
Variant type: single nucleotide variant.
Coding change: c.1230G>A on transcript NM_012309.5 (MANE Select); coding-DNA position 1230, G replaced by A.
Protein change: p.Thr410=; no amino-acid change (threonine 410 retained).
Molecular consequence: synonymous variant.
Genome position (GRCh38, 1-based): chr11:70,820,627, C>T on the plus strand (G>A on the coding strand, the complement: SHANK2 is on the minus strand). VCF-style: chr11-70820627-C-T. GRCh37 (hg19) VCF-style: chr11-70666732-C-T.
Other names: c.93G>A, p.Thr31= (NM_001379226.1).
Identifiers: ClinVar variation 1176581 (VCV001176581.35), dbSNP rs781906747, ClinGen allele CA6161855.

ClinVar aggregate classification (germline): Likely benign (1 of 4 stars; one submission).

Allele frequency attached by ClinVar (database versions not stated): gnomAD 0.00029 and 0.00030; ExAC 0.00121.
gnomAD v4.1: 313 of 711,108 alleles (0.044%); highest among the groups gnomAD compares: Non-Finnish European, 0.039%; 1 homozygote.

Submission:

CeGaT Center for Human Genetics Tuebingen
Classification: Likely benign. Last evaluated: 2023-07-01. Review status: criteria provided, single submitter. Criteria: CeGaT Center For Human Genetics Tuebingen Variant Classification Criteria Version 2. Collection method: clinical testing. Allele origin: germline. Affected: yes. Observed: 3 variant alleles.
Comment: SHANK2: BP4, BP7